The following is an entry in ClinVar:

NM_021096.4(CACNA1I):c.2393T>G (p.Val798Gly)

Gene: CACNA1I (calcium voltage-gated channel subunit alpha1 I; plus strand). Cytogenetic location: 22q13.1.
Variant type: single nucleotide variant.
Coding change: c.2393T>G on transcript NM_021096.4 (MANE Select); coding-DNA position 2393, T replaced by G.
Protein change: p.Val798Gly; replaces valine 798 with glycine.
Molecular consequence: missense variant.
Genome position (GRCh38, 1-based): chr22:39,659,495, T>G. VCF-style: chr22-39659495-T-G. GRCh37 (hg19) VCF-style: chr22-40055500-T-G.
Other names: c.2288T>G, p.Val763Gly (NM_001003406.2); short protein forms V763G, V798G.
Identifiers: ClinVar variation 3369949 (VCV003369949.1).
Genomic context (GRCh38, chr22:39,659,495, plus strand): 5'-TCCTTGGGATGCATATTTTTGGCTGCAAGTTCAGCCTCCGCACGGACACTGGAGACACGG[T>G]GCCCGACAGGAAGAACTTCGACTCCCTGCTGTGGGCCATCGTCACTGTGTTCCAGGTGAG-3'
Protein context (NP_066919.2, residues 788-808): FSLRTDTGDT[Val798Gly]PDRKNFDSLL

ClinVar aggregate classification (germline): Uncertain significance (1 of 4 stars; one submission).

Submission:

GeneDx
Classification: Uncertain significance. Last evaluated: 2023-12-17. Review status: criteria provided, single submitter. Criteria: GeneDx Variant Classification Process June 2021. Collection method: clinical testing. Allele origin: germline. Affected: yes.
Comment: Not observed at significant frequency in large population cohorts (gnomAD); In silico analysis supports that this missense variant has a deleterious effect on protein structure/function; Has not been previously published as pathogenic or benign to our knowledge